The following is an entry in ClinVar:

NM_000112.4(SLC26A2):c.58_62dup (p.Asp21fs)

Gene: SLC26A2 (solute carrier family 26 member 2; plus strand). Cytogenetic location: 5q32.
Variant type: Duplication.
Coding change: c.58_62dup on transcript NM_000112.4 (MANE Select); coding-DNA positions 58 to 62, 5 bases duplicated (AATGA; older notation c.58_62dupAATGA).
Protein change: p.Asp21fs; shifts the reading frame from aspartic acid 21.
Molecular consequence: frameshift variant.
Genome position (GRCh38, 1-based): chr5:149,977,710-149,977,714, AATGA duplicated; duplicating any 5 consecutive bases within chr5:149,977,708-149,977,714 gives the same sequence; the c. name uses the placement nearest the transcript's 3' end. VCF-style (leftmost placement, unchanged base first): chr5-149977707-G-GGAAAT. GRCh37 (hg19) VCF-style: chr5-149357270-G-GGAAAT.
Other names: short protein forms D21fs.
Identifiers: ClinVar variation 1453498 (VCV001453498.6), dbSNP rs2113695485, ClinGen allele CA2573139270.

ClinVar aggregate classification (germline): Pathogenic (1 of 4 stars; one submission).

Conditions:
Diastrophic dysplasia (DTD). Also called: Diastrophic dwarfism. Identifiers: Orphanet 628, MedGen C0220726, MONDO:0009107, OMIM 222600.
Atelosteogenesis type II (AO2). Also called: NEONATAL OSSEOUS DYSPLASIA I; Neonatal osseous dysplasia 1; SLC26A2-Related Atelosteogenesis. Identifiers: Orphanet 56304, MedGen C1850554, MONDO:0009727, OMIM 256050.
Multiple epiphyseal dysplasia type 4 (EDM4). Also called: Multiple Epiphyseal Dysplasia, Recessive; MULTIPLE EPIPHYSEAL DYSPLASIA WITH BILAYERED PATELLAE; MULTIPLE EPIPHYSEAL DYSPLASIA WITH CLUBFOOT; MULTIPLE EPIPHYSEAL DYSPLASIA, AUTOSOMAL RECESSIVE; SLC26A2-Related Multiple Epiphyseal Dysplasia. Identifiers: Orphanet 93307, MedGen C1847593, MONDO:0009189, OMIM 226900.
Achondrogenesis, type IB (ACG1B). Also called: Achondrogenesis Type 1B. Identifiers: Orphanet 932, Orphanet 93298, MedGen C0265274, MONDO:0010966, OMIM 600972.

Submission:

Labcorp Genetics (formerly Invitae), Labcorp
Classification: Pathogenic for Atelosteogenesis type II; Multiple epiphyseal dysplasia type 4; Achondrogenesis, type IB; Diastrophic dysplasia. Last evaluated: 2021-09-04. Review status: criteria provided, single submitter. Criteria: Invitae Variant Classification Sherloc (09022015). Collection method: clinical testing. Allele origin: germline.
Comment: This sequence change creates a premature translational stop signal (p.Asp21Glufs*70) in the SLC26A2 gene. It is expected to result in an absent or disrupted protein product. Loss-of-function variants in SLC26A2 are known to be pathogenic (PMID: 7923357, 10482955, 11241838). This variant is not present in population databases (ExAC no frequency). This variant has not been reported in the literature in individuals affected with SLC26A2-related conditions. For these reasons, this variant has been classified as Pathogenic.

Literature cited by the submitters: PubMed 7923357; PubMed 10482955; PubMed 11241838.